The following is an entry in ClinVar:

NM_170707.4(LMNA):c.635G>T (p.Ser212Ile)

Gene: LMNA (lamin A/C; plus strand). Cytogenetic location: 1q22.
Variant type: single nucleotide variant.
Coding change: c.635G>T on transcript NM_170707.4 (MANE Select); coding-DNA position 635, G replaced by T.
Protein change: p.Ser212Ile; replaces serine 212 with isoleucine.
Molecular consequence: missense variant. On other transcripts: 5 prime UTR variant (4).
Genome position (GRCh38, 1-based): chr1:156,134,524, G>T. VCF-style: chr1-156134524-G-T. GRCh37 (hg19) VCF-style: chr1-156104315-G-T.
Other names: c.299G>T, p.Ser100Ile (NM_001257374.3, NM_001406989.1, NM_001406998.1); c.392G>T, p.Ser131Ile (NM_001282624.2, NM_001406986.1, NM_001406987.1); c.635G>T, p.Ser212Ile (NM_001282625.2, NM_001282626.2, NM_001406983.1 and 6 more transcripts); c.338G>T, p.Ser113Ile (NM_001406988.1); c.77G>T, p.Ser26Ile (NM_001406990.1, NM_001406993.1, NM_001406995.1 and 4 more transcripts); c.-30G>T (NM_001406994.1, NM_001406999.1, NM_001407000.1 and 1 more transcripts); short protein forms S100I, S113I, S131I, S212I, S26I.
Identifiers: ClinVar variation 4881830 (VCV004881830.3).

ClinVar aggregate classification (germline): Uncertain significance. Review status: criteria provided, multiple submitters, no conflicts (2 of 4 stars). 2 submissions from 2 submitters: Uncertain significance (2). Last evaluated 2025-11-26.

Submissions (2):

Dasa
Classification: Uncertain significance. Last evaluated: 2025-11-26. Review status: criteria provided, single submitter. Criteria: DASA Assertion Criteria. Collection method: clinical testing. Allele origin: germline.
Comment: NM_170707.4(LMNA):c.635G>T (p.Ser212Ile) is a missense variant that results in the substitution of serine with isoleucine. The affected residue or protein region has prior evidence supporting clinical relevance. This variant is absent from population databases. The currently available literature and clinical evidence are not sufficient to establish a definitive association between this variant and the reported condition. Therefore, this variant is classified as a variant of uncertain significance.

Blueprint Genetics
Classification: Uncertain significance. Last evaluated: 2017-06-09. Review status: criteria provided, single submitter. Criteria: ACMG Guidelines, 2015. Collection method: clinical testing. Allele origin: germline.